The following is an entry in ClinVar:

ClinVar aggregate classification (germline): Uncertain significance. Review status: criteria provided, multiple submitters, no conflicts (2 of 4 stars). 2 submissions from 2 submitters: Uncertain significance (2). Last evaluated 2023-11-03.

Conditions:
Inborn genetic diseases. Identifiers: MedGen C0950123, MeSH D030342.

Allele frequency attached by ClinVar (database versions not stated): gnomAD exomes below 0.00001 and 0.00001; ExAC 0.00001; TOPMed 0.00002.
gnomAD v4.1: 4 of 1,613,996 alleles (0.00025%); highest among the groups gnomAD compares: Admixed American, 0.0017%; no homozygotes.

Submissions (2):

Ambry Genetics
Classification: Uncertain significance for Inborn genetic diseases. Last evaluated: 2023-11-03. Review status: criteria provided, single submitter. Criteria: Ambry Variant Classification Scheme 2023. Collection method: clinical testing. Allele origin: germline.

Labcorp Genetics (formerly Invitae), Labcorp
Classification: Uncertain significance. Last evaluated: 2023-10-13. Review status: criteria provided, single submitter. Criteria: Invitae Variant Classification Sherloc (09022015). Collection method: clinical testing. Allele origin: germline.
Comment: This sequence change replaces valine, which is neutral and non-polar, with aspartic acid, which is acidic and polar, at codon 1178 of the MYO5B protein (p.Val1178Asp). This variant is present in population databases (rs756841154, gnomAD 0.003%). This variant has not been reported in the literature in individuals affected with MYO5B-related conditions. ClinVar contains an entry for this variant (Variation ID: 1513693). Advanced modeling of protein sequence and biophysical properties (such as structural, functional, and spatial information, amino acid conservation, physicochemical variation, residue mobility, and thermodynamic stability) performed at Invitae indicates that this missense variant is not expected to disrupt MYO5B protein function. In summary, the available evidence is currently insufficient to determine the role of this variant in disease. Therefore, it has been classified as a Variant of Uncertain Significance.

NM_001080467.3(MYO5B):c.3533T>A (p.Val1178Asp)

Gene: MYO5B (myosin VB; minus strand). Cytogenetic location: 18q21.1.
Variant type: single nucleotide variant.
Coding change: c.3533T>A on transcript NM_001080467.3 (MANE Select); coding-DNA position 3533, T replaced by A.
Protein change: p.Val1178Asp; replaces valine 1178 with aspartic acid.
Molecular consequence: missense variant.
Genome position (GRCh38, 1-based): chr18:49,875,691, A>T on the plus strand (T>A on the coding strand, the complement: MYO5B is on the minus strand). VCF-style: chr18-49875691-A-T. GRCh37 (hg19) VCF-style: chr18-47402061-A-T.
Other names: c.3533T>A (NM_001080467.2); short protein forms V1178D.
Identifiers: ClinVar variation 1513693 (VCV001513693.7), dbSNP rs756841154, ClinGen allele CA8960700.
Genomic context (GRCh38, chr18:49,875,691, plus strand): 5'-AGCTAGATTGTTCTCTCATCCAAGCACCATAAGAGCACTGCAGCCCCTTCACGTACCTGG[A>T]CTTTCTTGCTGTCCTGCTGTTCTCTCTTCTCCAGCTGCACTTGCAGCTTTTTCCTCTCCT-3'
Protein context (NP_001073936.1, residues 1168-1188): EKREQQDSKK[Val1178Asp]QAEPPQTDID